The following is an entry in ClinVar:

ClinVar aggregate classification (germline): Benign (1 of 4 stars; one submission).

Allele frequency attached by ClinVar (database versions not stated): 1000 Genomes Project 30x 0.29169; 1000 Genomes Project 0.29772; TOPMed 0.31630; gnomAD 0.31940 and 0.32198.
gnomAD v4.1: 49,027 of 151,970 alleles (32%); highest among the groups gnomAD compares: East Asian, 47%; 9,216 homozygotes.

Submission:

GeneDx
Classification: Benign. Last evaluated: 2018-06-16. Review status: criteria provided, single submitter. Criteria: GeneDx Variant Classification (06012015). Collection method: clinical testing. Allele origin: germline. Affected: yes.
Comment: This variant is considered likely benign or benign based on one or more of the following criteria: it is a conservative change, it occurs at a poorly conserved position in the protein, it is predicted to be benign by multiple in silico algorithms, and/or has population frequency not consistent with disease.

NM_000642.3(AGL):c.293+212C>A

Gene: AGL (amylo-alpha-1,6-glucosidase and 4-alpha-glucanotransferase; plus strand). Cytogenetic location: 1p21.2.
Variant type: single nucleotide variant.
Coding change: c.293+212C>A on transcript NM_000642.3 (MANE Select); 212 bases into the intron after coding-DNA position 293, C replaced by A.
Molecular consequence: intron variant.
Genome position (GRCh38, 1-based): chr1:99,861,925, C>A. VCF-style: chr1-99861925-C-A. GRCh37 (hg19) VCF-style: chr1-100327481-C-A.
Other names: c.293+212C>A (NM_000643.3, NM_000644.3, NM_001425326.1 and 5 more transcripts); c.245+212C>A (NM_000646.3); c.83-2461C>A (NM_001425332.1).
Identifiers: ClinVar variation 678103 (VCV000678103.1), dbSNP rs3766592, ClinGen allele CA10844757.
Genomic context (GRCh38, chr1:99,861,925, plus strand): 5'-AGGTAATTTTATGGTCCATTGCAGAGCTAAAGTATCAAGTAAATGTATTTTAAGTAACAT[C>A]TTAAAATGTAGTAATTTCATGCAACCTGATTATAGGTTGCTGTTTATTTGCGTGCCCTTG-3'